The following is an entry in ClinVar:

ClinVar aggregate classification (germline): Benign. Review status: criteria provided, multiple submitters, no conflicts (2 of 4 stars). 4 submissions from 4 submitters: Benign (3). 1 of the submissions does not count toward it. Last evaluated 2021-07-10.

Conditions:
Agenesis of the corpus callosum with peripheral neuropathy (ACCPN). Also called: Hereditary Motor and Sensory Neuropathy with Agenesis of the Corpus Callosum; POLYNEUROPATHY, SENSORIMOTOR, WITH OR WITHOUT AGENESIS OF THE CORPUS CALLOSUM; HMSN/ACC; CHARLEVOIX DISEASE. Identifiers: Orphanet 1496, MedGen C0795950, MONDO:0000902, OMIM 218000. Disease mechanism: loss of function.

Allele frequency attached by ClinVar (database versions not stated): 1000 Genomes Project 0.02177; gnomAD 0.02352; ESP Exome Variant Server 0.02862.
gnomAD v4.1: 49,596 of 1,272,076 alleles (3.9%); highest among the groups gnomAD compares: Middle Eastern, 11%; 1,194 homozygotes.

Submissions (4):

Genome-Nilou Lab
Classification: Benign for Agenesis of the corpus callosum with peripheral neuropathy. Last evaluated: 2021-07-10. Review status: criteria provided, single submitter. Criteria: ACMG Guidelines, 2015. Collection method: clinical testing. Allele origin: germline. Affected: no.

GeneDx
Classification: Benign. Last evaluated: 2018-06-29. Review status: criteria provided, single submitter. Criteria: GeneDx Variant Classification Process June 2021. Collection method: clinical testing. Allele origin: germline. Affected: yes.

Breakthrough Genomics
Classification: Benign. Review status: criteria provided, single submitter. Criteria: ACMG Guidelines, 2015. Collection method: not provided. Allele origin: germline. Inheritance: Autosomal recessive inheritance. Affected: yes.

Genetic Services Laboratory, University of Chicago
Classification: Likely benign. Review status: no assertion criteria provided. Collection method: clinical testing. Allele origin: germline. Inheritance: Autosomal recessive inheritance. Not counted in ClinVar's aggregate classification.
Comment: Likely benign based on allele frequency in 1000 Genomes Project or ESP global frequency and its presence in a patient with a rare or unrelated disease phenotype. NOT Sanger confirmed

NM_001365088.1(SLC12A6):c.2042+32C>A

Gene: SLC12A6 (solute carrier family 12 member 6; minus strand). Cytogenetic location: 15q14.
Variant type: single nucleotide variant.
Coding change: c.2042+32C>A on transcript NM_001365088.1 (MANE Select); 32 bases into the intron after coding-DNA position 2042, C replaced by A.
Molecular consequence: intron variant.
Genome position (GRCh38, 1-based): chr15:34,243,942, G>T on the plus strand (C>A on the coding strand, the complement: SLC12A6 is on the minus strand). VCF-style: chr15-34243942-G-T. GRCh37 (hg19) VCF-style: chr15-34536143-G-T.
Other names: c.1865+32C>A (NM_001042495.2, NM_001042494.2); c.2015+32C>A (NM_001042496.2); c.1997+32C>A (NM_001042497.2); c.2042+32C>A (NM_133647.2); c.1889+32C>A (NM_005135.2).
Identifiers: ClinVar variation 159891 (VCV000159891.12), dbSNP rs79436830, ClinGen allele CA173436.